The following is an entry in ClinVar:

NM_001098668.4(SFTPA2):c.637C>T (p.Arg213Ter)

Gene: SFTPA2 (surfactant protein A2; minus strand). Cytogenetic location: 10q22.3.
Variant type: single nucleotide variant.
Coding change: c.637C>T on transcript NM_001098668.4 (MANE Select); coding-DNA position 637, C replaced by T.
Protein change: p.Arg213Ter; replaces arginine 213 with a stop codon.
Molecular consequence: nonsense.
Genome position (GRCh38, 1-based): chr10:79,557,319, G>A on the plus strand (C>T on the coding strand, the complement: SFTPA2 is on the minus strand). VCF-style: chr10-79557319-G-A. GRCh37 (hg19) VCF-style: chr10-81317075-G-A.
Other names: c.637C>T, p.Arg213Ter (NM_001320813.2, NM_001437428.1); c.667C>T, p.Arg223Ter (NM_001320814.1); short protein forms R213*, R223*.
Identifiers: ClinVar variation 4981889 (VCV004981889.1).

ClinVar aggregate classification (germline): Uncertain significance (1 of 4 stars; one submission).

Conditions:
SFTPA2-related disorder. Also called: SFTPA2-related condition.

gnomAD v4.1: 259 of 1,613,314 alleles (0.016%); highest among the groups gnomAD compares: South Asian, 0.083%; 2 homozygotes.

Submission:

PreventionGenetics, part of Exact Sciences
Classification: Uncertain significance for SFTPA2-related condition. Last evaluated: 2025-09-30. Review status: criteria provided, single submitter. Criteria: ACMG Guidelines, 2015. Collection method: clinical testing. Allele origin: germline.
Comment: The SFTPA2 c.637C>T variant is predicted to result in premature protein termination (p.Arg213*). To our knowledge, this variant has not been reported in the literature. This variant is reported in 0.059% of alleles in individuals of South Asian descent in gnomAD. At this time, the clinical significance of this variant is uncertain due to the absence of conclusive functional and genetic evidence.